The following is an entry in ClinVar:

NM_005850.5(SF3B4):c.1255C>T (p.Arg419Ter)

Gene: SF3B4 (splicing factor 3b subunit 4; minus strand). Cytogenetic location: 1q21.2.
Variant type: single nucleotide variant.
Coding change: c.1255C>T on transcript NM_005850.5 (MANE Select); coding-DNA position 1255, C replaced by T.
Protein change: p.Arg419Ter; replaces arginine 419 with a stop codon.
Molecular consequence: nonsense.
Genome position (GRCh38, 1-based): chr1:149,923,562, G>A on the plus strand (C>T on the coding strand, the complement: SF3B4 is on the minus strand). VCF-style: chr1-149923562-G-A. GRCh37 (hg19) VCF-style: chr1-149895454-G-A.
Other names: short protein forms R419*.
Identifiers: ClinVar variation 3360201 (VCV003360201.1).

ClinVar aggregate classification (germline): Uncertain significance (1 of 4 stars; one submission).

Submission:

GeneDx
Classification: Uncertain significance. Last evaluated: 2023-07-01. Review status: criteria provided, single submitter. Criteria: GeneDx Variant Classification Process June 2021. Collection method: clinical testing. Allele origin: germline. Affected: yes.
Comment: Nonsense variant predicted to result in protein truncation as the last 6 amino acids are lost, although loss-of-function variants have not been reported downstream of this position in the protein; Not observed at significant frequency in large population cohorts (gnomAD); Has not been previously published as pathogenic or benign to our knowledge